The following is an entry in ClinVar:

NM_001048174.2(MUTYH):c.1354G>T (p.Glu452Ter)

Gene: MUTYH (mutY DNA glycosylase; minus strand). Cytogenetic location: 1p34.1.
Variant type: single nucleotide variant.
Coding change: c.1354G>T on transcript NM_001048174.2 (MANE Select); coding-DNA position 1354, G replaced by T.
Protein change: p.Glu452Ter; replaces glutamic acid 452 with a stop codon.
Molecular consequence: nonsense. On other transcripts: non-coding transcript variant (2).
Genome position (GRCh38, 1-based): chr1:45,331,220, C>A on the plus strand (G>T on the coding strand, the complement: MUTYH is on the minus strand). VCF-style: chr1-45331220-C-A. GRCh37 (hg19) VCF-style: chr1-45796892-C-A.
Other names: c.1354G>T, p.Glu452Ter (NM_001048171.2, NM_001048173.2, NM_001293195.2); c.1357G>T, p.Glu453Ter (NM_001048172.2); c.1438G>T, p.Glu480Ter (NM_001128425.2); c.1399G>T, p.Glu467Ter (NM_001293190.2); c.1387G>T, p.Glu463Ter (NM_001293191.2); c.1078G>T, p.Glu360Ter (NM_001293192.2, NM_001293196.2); c.1009G>T, p.Glu337Ter (NM_001350650.2, NM_001350651.2); c.1429G>T, p.Glu477Ter (NM_012222.3); short protein forms E466*, E480*, E360*, E467*, E452*, E463*, E477*, E337*.
Identifiers: ClinVar variation 5297 (VCV000005297.54), dbSNP rs121908381, ClinGen allele CA011650.

ClinVar aggregate classification (germline): Pathogenic. Review status: criteria provided, multiple submitters, no conflicts (2 of 4 stars). 22 submissions from 21 submitters: Pathogenic (18). 4 of the submissions do not count toward it. Last evaluated 2026-01-19.

Conditions:
MUTYH-related disorder. Also called: MUTYH-related disorders; MUTYH-related condition.
Familial adenomatous polyposis 2. Also called: ADENOMAS, MULTIPLE COLORECTAL, AUTOSOMAL RECESSIVE; MUTYH Polyposis; Adenomas, multiple colorectal; FAP type 2; MYH-associated polyposis; MUTYH-related attenuated familial adenomatous polyposis. Identifiers: Orphanet 220460, Orphanet 247798, MedGen C3272841, MONDO:0012041, OMIM 608456.
Gastric cancer. Also called: Malignant tumor of stomach; Stomach cancer. Identifiers: MedGen C0024623, MeSH D013274, MONDO:0001056, OMIM 613659, HP:0012126.
Hereditary cancer-predisposing syndrome. Also called: Neoplastic Syndromes, Hereditary; Tumor predisposition; Hereditary Cancer Syndrome; Hereditary neoplastic syndrome. Identifiers: Orphanet 140162, MedGen C0027672, MeSH D009386, MONDO:0015356.
Carcinoma of colon (CRC). Also called: Colon carcinoma; Colonic carcinoma. Identifiers: MedGen C0699790, MONDO:0002032.

Allele frequency attached by ClinVar (database versions not stated): gnomAD below 0.00001 and 0.00007; TOPMed 0.00002; 1000 Genomes Project 30x 0.00141; 1000 Genomes Project 0.00180; ExAC 0.00010; gnomAD exomes 0.00005 and 0.00004.
gnomAD v4.1: 73 of 1,614,088 alleles (0.0045%); highest among the groups gnomAD compares: South Asian, 0.076%; 2 homozygotes.

Submissions 1 to 7 of 22:

Labcorp Genetics (formerly Invitae), Labcorp
Classification: Pathogenic for Familial adenomatous polyposis 2. Last evaluated: 2026-01-19. Review status: criteria provided, single submitter. Criteria: Invitae Variant Classification Sherloc (09022015). Collection method: clinical testing. Allele origin: germline.
Comment: This sequence change creates a premature translational stop signal (p.Glu480*) in the MUTYH gene. It is expected to result in an absent or disrupted protein product. Loss-of-function variants in MUTYH are known to be pathogenic (PMID: 18534194, 20663686). This variant is present in population databases (rs121908381, gnomAD 0.05%), including at least one homozygous and/or hemizygous individual. This premature translational stop signal has been observed in individual(s) with MUTYH-associated polyposis syndrome (MAP) (PMID: 12393807, 12853198, 15635083, 17369389, 17874208, 19032956, 19732775). It is commonly reported in individuals of South Asian ancestry (PMID: 12853198). This variant is also known as c.1396G>T (p.Glu466X or E466X). ClinVar contains an entry for this variant (Variation ID: 5297). RNA analysis performed to evaluate the impact of this premature translational stop signal on mRNA splicing indicates it does not significantly alter splicing (internal data). For these reasons, this variant has been classified as Pathogenic.

Color Diagnostics, LLC DBA Color Health
Classification: Pathogenic for Hereditary cancer-predisposing syndrome. Last evaluated: 2025-02-10. Review status: criteria provided, single submitter. Criteria: ACMG Guidelines, 2015. Collection method: clinical testing. Allele origin: germline.
Comment: This variant changes 1 nucleotide in exon 14 of the MUTYH gene, creating a premature translation stop signal. This variant is also known as E466X (c.1396G>T) based on an alternate transcript NM_001048171. This variant is expected to result in an absent or non-functional protein product. A functional study has shown that the truncated mutant protein is expressed at low levels in E. coli and exhibits lack of glycosylase activity and DNA-binding activity (PMID: 18534194). This variant has been reported in over ten homozygous individuals affected with polyposis and/or colorectal cancer (PMID: 12393807, 12853198, 17874208, 19732775, 28533537). This variant has been identified in 13/251492 chromosomes in the general population by the Genome Aggregation Database (gnomAD). Loss of MUTYH function is a known mechanism of disease. Based on the available evidence, this variant is classified as Pathogenic.

Ambry Genetics
Classification: Pathogenic for Hereditary cancer-predisposing syndrome. Last evaluated: 2024-04-09. Review status: criteria provided, single submitter. Criteria: Ambry Variant Classification Scheme 2023. Collection method: clinical testing. Allele origin: germline.
Comment: The p.E480* pathogenic mutation (also known as c.1438G>T), located in coding exon 14 of the MUTYH gene, results from a G to T substitution at nucleotide position 1438. This changes the amino acid from a glutamic acid to a stop codon within coding exon 14. This mutation was first reported in the literature in the homozygous state in three unrelated individuals with greater than 100 colorectal adenomas (Jones S et al. Hum. Mol. Genet. 2002 Nov;11:2961-7). It has since been observed in multiple individuals with a personal history of polyposis in both a compound heterozygous and homozygous state (Nielsen M et al. Gastroenterology. 2009 Feb;136:471-6; Vogt S et al. Gastroenterology. 2009 Dec;137:1976-85.e1-10; Inra JA et al. Genet. Med. 2015 Oct;17:815-21; Khan N et al. Sci Rep. 2017 May;7:2214), as well as a pediatric patient with a high-grade midline glioma (Kline CN et al. Neuro-oncology. 2016 05;18:752-3). Current data indicates that this alteration is more frequently identified in individuals of Asian Indian descent and has been described as a possible founder mutation in individuals of Indian ancestry (Eliason K et al. J. Med. Genet. 2005 Jan;42:95-6; Dolwani S et al. Gut. 2007 Apr;56:593; Sampson J et al. Lancet. 2003 Jul 5;362:39-41; Khan N et al. Sci Rep. 2017 May;7:2214). Furthermore, an in vitro functional study demonstrated that the E480* mutant protein was completely devoid of both glycosylase and DNA-binding activities, both of which are essential for the base excision repair properties of the wild-type MUTYH protein (Ali M et al. Gastroenterology. 2008 Aug;135:499-507). This mutation is also designated as E466X and 1396G>T in published literature. In addition to the clinical data presented in the literature, this alteration is expected to result in loss of function by premature protein truncation or nonsense-mediated mRNA decay. As such, this alteration is interpreted as a disease-causing mutation.

Clinical Genetics Laboratory, Skane University Hospital Lund
Classification: Pathogenic. Last evaluated: 2024-02-02. Review status: criteria provided, single submitter. Criteria: ACMG Guidelines, 2015. Collection method: clinical testing. Allele origin: germline. Affected: yes.

Quest Diagnostics Nichols Institute San Juan Capistrano
Classification: Pathogenic. Last evaluated: 2024-01-25. Review status: criteria provided, single submitter. Criteria: Quest Diagnostics criteria. Collection method: clinical testing. Allele origin: unknown.
Comment: The MUTYH c.1438G>T (p.Glu480*) variant causes the premature termination of MUTYH protein synthesis. This variant has been reported in the published literature in individuals with breast cancer (PMID: 35626031 (2022)), Familial adenomatous polyposis (FAP) (PMID: 30604180 (2019), 28533537 (2016), 15635083 (2005)), MUTYH-associated polyposis (MAP) (PMID: 19732775 (2009), 17874208 (2008), 12853198 (2003)), and colorectal cancer (PMID: 12853198 (2007)). This variant has also been identified in reportedly healthy individuals (PMID: 33471991 (2021), see also LOVD). The frequency of this variant in the general population, 0.00042 (13/30616 chromosomes (Genome Aggregation Database)), is consistent with pathogenicity. Based on the available information, this variant is classified as pathogenic.

Baylor Genetics
Classification: Pathogenic for Familial adenomatous polyposis 2. Last evaluated: 2024-01-08. Review status: criteria provided, single submitter. Criteria: ACMG Guidelines, 2015. Collection method: clinical testing. Allele origin: unknown.

Laboratory for Molecular Medicine, Mass General Brigham Personalized Medicine
Classification: Pathogenic for Familial adenomatous polyposis 2. Last evaluated: 2023-11-09. Review status: criteria provided, single submitter. Criteria: ACMG Guidelines, 2015. Collection method: clinical testing. Allele origin: germline. Inheritance: Autosomal recessive inheritance.
Comment: The p.Glu480X variant in MUTYH (also referred to as p.Glu466X in the literature) has been reported in at least 9 homozygotes with MUTYH-associated polyposis and segregated in 2 affected homozygotes from one family (Vogt 2009 PMID: 19732775, Inra 2015 PMID: 25590978). It has also been reported by other clinical laboratories in ClinVar (Variation ID: 5297). This variant has been identified in 0.2% (10/4836) of South Asian chromosomes by gnomAD (v.3.1.2). This frequency is low enough to be consistent with a recessive carrier frequency. This nonsense variant leads to a premature termination codon at position 480, which is predicted to lead to a truncated or absent protein. In vitro functional studies provide support that the p.Glu480X variant impacts protein activity (Ali 2008 PMID: 18534194). Biallelic loss of function of the MUTYH gene is an established disease mechanism in MUTYH-associated polyposis. In summary, this variant meets criteria to be classified as pathogenic for autosomal recessive MUTYH-associated polyposis. ACMG/AMP Criteria applied: PVS1, PM3, PP1_Moderate, PM2_Supporting, PS3_Supporting.